The following is an entry in ClinVar:

NM_005422.4(TECTA):c.4856G>A (p.Cys1619Tyr)

Genes: TBCEL-TECTA (TBCEL-TECTA readthrough; plus strand), TECTA (tectorin alpha; plus strand). Cytogenetic location: 11q23.3.
Variant type: single nucleotide variant.
Coding change: c.4856G>A on transcript NM_005422.4 (MANE Select); coding-DNA position 4856, G replaced by A.
Protein change: p.Cys1619Tyr; replaces cysteine 1619 with tyrosine.
Molecular consequence: missense variant.
Genome position (GRCh38, 1-based): chr11:121,160,301, G>A. VCF-style: chr11-121160301-G-A. GRCh37 (hg19) VCF-style: chr11-121031010-G-A.
Other names: c.5813G>A, p.Cys1938Tyr (NM_001378761.1); short protein forms C1619Y, C1938Y.
Identifiers: ClinVar variation 3253009 (VCV003253009.4), dbSNP rs121909060.

ClinVar aggregate classification (germline): Uncertain significance. Review status: criteria provided, multiple submitters, no conflicts (2 of 4 stars). 2 submissions from 2 submitters: Uncertain significance (2). Last evaluated 2026-07-24.

Submissions (2):

GeneDx
Classification: Uncertain significance. Last evaluated: 2026-07-24. Review status: criteria provided, single submitter. Criteria: GeneDx Variant Classification Process June 2021. Collection method: clinical testing. Allele origin: germline.
Comment: Not observed at significant frequency in large population cohorts (gnomAD); In silico analysis supports that this missense variant has a deleterious effect on protein structure/function; Has not been previously published as pathogenic or benign to our knowledge; This variant is associated with the following publications: (PMID: 21520338, 31554319, 9590290)

Labcorp Genetics (formerly Invitae), Labcorp
Classification: Uncertain significance. Last evaluated: 2024-02-23. Review status: criteria provided, single submitter. Criteria: Invitae Variant Classification Sherloc (09022015). Collection method: clinical testing. Allele origin: germline.
Comment: This sequence change replaces cysteine, which is neutral and slightly polar, with tyrosine, which is neutral and polar, at codon 1619 of the TECTA protein (p.Cys1619Tyr). This variant is not present in population databases (gnomAD no frequency). This missense change has been observed in individual(s) with autosomal dominant deafness (Invitae). Advanced modeling of protein sequence and biophysical properties (such as structural, functional, and spatial information, amino acid conservation, physicochemical variation, residue mobility, and thermodynamic stability) has been performed at Invitae for this missense variant, however the output from this modeling did not meet the statistical confidence thresholds required to predict the impact of this variant on TECTA protein function. In summary, the available evidence is currently insufficient to determine the role of this variant in disease. Therefore, it has been classified as a Variant of Uncertain Significance.